The following is an entry in ClinVar:

ClinVar aggregate classification (germline): Uncertain significance (1 of 4 stars; one submission).

Submission:

Labcorp Genetics (formerly Invitae), Labcorp
Classification: Uncertain significance. Last evaluated: 2022-03-11. Review status: criteria provided, single submitter. Criteria: Invitae Variant Classification Sherloc (09022015). Collection method: clinical testing. Allele origin: germline.
Comment: In summary, the available evidence is currently insufficient to determine the role of this variant in disease. Therefore, it has been classified as a Variant of Uncertain Significance. Advanced modeling of protein sequence and biophysical properties (such as structural, functional, and spatial information, amino acid conservation, physicochemical variation, residue mobility, and thermodynamic stability) performed at Invitae indicates that this missense variant is not expected to disrupt COL11A2 protein function. This variant has not been reported in the literature in individuals affected with COL11A2-related conditions. This variant is not present in population databases (gnomAD no frequency). This sequence change replaces arginine, which is basic and polar, with glycine, which is neutral and non-polar, at codon 1695 of the COL11A2 protein (p.Arg1695Gly).

NM_080680.3(COL11A2):c.5083C>G (p.Arg1695Gly)

Gene: COL11A2 (collagen type XI alpha 2 chain; minus strand). Cytogenetic location: 6p21.32.
Variant type: single nucleotide variant.
Coding change: c.5083C>G on transcript NM_080680.3 (MANE Select); coding-DNA position 5083, C replaced by G.
Protein change: p.Arg1695Gly; replaces arginine 1695 with glycine.
Molecular consequence: missense variant.
Genome position (GRCh38, 1-based): chr6:33,163,806, G>C on the plus strand (C>G on the coding strand, the complement: COL11A2 is on the minus strand). VCF-style: chr6-33163806-G-C. GRCh37 (hg19) VCF-style: chr6-33131583-G-C.
Other names: c.4762C>G, p.Arg1588Gly (NM_080679.3); c.4825C>G, p.Arg1609Gly (NM_080681.3); short protein forms R1588G, R1609G, R1695G.
Identifiers: ClinVar variation 2109254 (VCV002109254.4), dbSNP rs534700620, ClinGen allele CA363615694.
Genomic context (GRCh38, chr6:33,163,806, plus strand): 5'-AGGAGGCATCCAGCACTGGCAGCTGCTCCAGCACAGGCGTTCGCACCTCCAGCACCGTCC[G>C]GCCTTGCTGTGTCTTCAGGGGGAGACAAGGAAGAAAGTGTGAGCAGGATGGAGGCACCCC-3'
Protein context (NP_542411.2, residues 1685-1705): FRDGCQTQQG[Arg1695Gly]TVLEVRTPVL